The following is an entry in ClinVar:

NM_020699.4(GATAD2B):c.1613A>G (p.Gln538Arg)

Gene: GATAD2B (GATA zinc finger domain containing 2B; minus strand). Cytogenetic location: 1q21.3.
Variant type: single nucleotide variant.
Coding change: c.1613A>G on transcript NM_020699.4 (MANE Select); coding-DNA position 1613, A replaced by G.
Protein change: p.Gln538Arg; replaces glutamine 538 with arginine.
Molecular consequence: missense variant.
Genome position (GRCh38, 1-based): chr1:153,811,766, T>C on the plus strand (A>G on the coding strand, the complement: GATAD2B is on the minus strand). VCF-style: chr1-153811766-T-C. GRCh37 (hg19) VCF-style: chr1-153784242-T-C.
Other names: short protein forms Q538R.
Identifiers: ClinVar variation 2498425 (VCV002498425.28), dbSNP rs2525232709, ClinGen allele CA342580758.

ClinVar aggregate classification (germline): Uncertain significance (1 of 4 stars; one submission).

Submission:

CeGaT Center for Human Genetics Tuebingen
Classification: Uncertain significance. Last evaluated: 2023-02-01. Review status: criteria provided, single submitter. Criteria: CeGaT Center For Human Genetics Tuebingen Variant Classification Criteria Version 2. Collection method: clinical testing. Allele origin: germline. Affected: yes. Observed: 1 variant allele.
Comment: GATAD2B: PM2, PP2